The following is an entry in ClinVar:

NM_000363.5(TNNI3):c.132G>C (p.Ser44=)

Gene: TNNI3 (troponin I3, cardiac type; minus strand). Cytogenetic location: 19q13.42.
Variant type: single nucleotide variant.
Coding change: c.132G>C on transcript NM_000363.5 (MANE Select); coding-DNA position 132, G replaced by C.
Protein change: p.Ser44=; no amino-acid change (serine 44 retained).
Molecular consequence: synonymous variant.
Genome position (GRCh38, 1-based): chr19:55,156,621, C>G on the plus strand (G>C on the coding strand, the complement: TNNI3 is on the minus strand). VCF-style: chr19-55156621-C-G. GRCh37 (hg19) VCF-style: chr19-55667989-C-G.
Identifiers: ClinVar variation 179548 (VCV000179548.24), dbSNP rs727504941, ClinGen allele CA021285.

ClinVar aggregate classification (germline): Likely benign. Review status: criteria provided, multiple submitters, no conflicts (2 of 4 stars). 9 submissions from 9 submitters: Likely benign (9). Last evaluated 2026-06-26.

Conditions:
TNNI3-related disorder. Also called: TNNI3-related condition; TNNI3-related disorders.
Cardiovascular phenotype. Identifiers: MedGen CN230736.
Dilated cardiomyopathy 1FF (CMD1FF). Identifiers: Orphanet 154, MedGen C2750091, MONDO:0013211, OMIM 613286.
Dilated cardiomyopathy 2A (CMD2A). Also called: CARDIOMYOPATHY, CONGESTIVE, AUTOSOMAL RECESSIVE; CARDIOMYOPATHY, DILATED, AUTOSOMAL RECESSIVE. Identifiers: Orphanet 154, MedGen C2678474, MONDO:0012746, OMIM 611880.
Cardiomyopathy, familial restrictive, 1. Identifiers: Orphanet 75249, MedGen C1861861, MONDO:0007270, OMIM 115210.
Hypertrophic cardiomyopathy 7. Also called: CARDIOMYOPATHY, FAMILIAL HYPERTROPHIC, 7, MODIFIER OF; TNNI3-Related Familial Hypertrophic Cardiomyopathy; Familial hypertrophic cardiomyopathy 7. Identifiers: MedGen C1860752, MONDO:0013369, OMIM 613690.
Cardiomyopathy (CMYO). Also called: Cardiomyopathies. Identifiers: Orphanet 167848, MedGen C0878544, MONDO:0004994, HP:0001638. Inheritance: Various modes of inheritance.
Hypertrophic cardiomyopathy. Also called: HYPERTROPHIC MYOCARDIOPATHY. Identifiers: Orphanet 217569, MedGen C0007194, MeSH D002312, MONDO:0005045, HP:0001639.

Allele frequency attached by ClinVar (database versions not stated): gnomAD exomes 0.00003; ExAC 0.00004; TOPMed 0.00009; gnomAD 0.00011 and 0.00012.

Submissions (9):

PreventionGenetics, part of Exact Sciences
Classification: Likely benign for TNNI3-related condition. Last evaluated: 2026-06-26. Review status: criteria provided, single submitter. Criteria: ACMG Guidelines, 2015. Collection method: clinical testing. Allele origin: germline.
Comment: This variant is classified as likely benign based on ACMG/AMP sequence variant interpretation guidelines (Richards et al. 2015 PMID: 25741868, with internal and published modifications).

Labcorp Genetics (formerly Invitae), Labcorp
Classification: Likely benign for Hypertrophic cardiomyopathy. Last evaluated: 2025-11-20. Review status: criteria provided, single submitter. Criteria: Invitae Variant Classification Sherloc (09022015). Collection method: clinical testing. Allele origin: germline.

All of Us Research Program, National Institutes of Health
Classification: Likely benign for Hypertrophic cardiomyopathy. Last evaluated: 2024-02-05. Review status: criteria provided, single submitter. Criteria: ACMG Guidelines, 2015. Collection method: clinical testing. Allele origin: germline. Inheritance: Autosomal dominant inheritance. Observed: 26 variant alleles, 26 heterozygotes.
Comment: This study involves interpretation of variants in research participants for the purpose of population health screening. Participant phenotype was not available at the time of variant classification. Additional details can be found in publication PMID: 35346344, PMCID: PMC8962531

Ambry Genetics
Classification: Likely benign for Cardiovascular phenotype. Last evaluated: 2022-09-20. Review status: criteria provided, single submitter. Criteria: Ambry Variant Classification Scheme 2023. Collection method: clinical testing. Allele origin: germline.

Fulgent Genetics
Classification: Likely benign for Cardiomyopathy, familial restrictive, 1; Dilated cardiomyopathy 2A; Dilated cardiomyopathy 1FF; Hypertrophic cardiomyopathy 7. Last evaluated: 2021-09-01. Review status: criteria provided, single submitter. Criteria: ACMG Guidelines, 2015. Collection method: clinical testing. Allele origin: unknown.

CHEO Genetics Diagnostic Laboratory, Children's Hospital of Eastern Ontario
Classification: Likely benign for Cardiomyopathy. Last evaluated: 2021-01-28. Review status: criteria provided, single submitter. Criteria: ACMG Guidelines, 2015. Collection method: clinical testing. Allele origin: germline.

Color Diagnostics, LLC DBA Color Health
Classification: Likely benign for Cardiomyopathy. Last evaluated: 2018-09-28. Review status: criteria provided, single submitter. Criteria: ACMG Guidelines, 2015. Collection method: clinical testing. Allele origin: germline.

GeneDx
Classification: Likely benign. Last evaluated: 2017-10-19. Review status: criteria provided, single submitter. Criteria: GeneDx Variant Classification (06012015). Collection method: clinical testing. Allele origin: germline. Affected: yes.
Comment: This variant is considered likely benign or benign based on one or more of the following criteria: it is a conservative change, it occurs at a poorly conserved position in the protein, it is predicted to be benign by multiple in silico algorithms, and/or has population frequency not consistent with disease.

Laboratory for Molecular Medicine, Mass General Brigham Personalized Medicine
Classification: Likely benign. Last evaluated: 2014-02-21. Review status: criteria provided, single submitter. Criteria: LMM Criteria. Collection method: clinical testing. Allele origin: germline. Observed: 1 variant allele.
Comment: Ser44Ser in exon 5 of TNNI3: This variant is not expected to have clinical signi ficance because it does not alter an amino acid residue and is not located withi n the splice consensus sequence. Ser44Ser in exon 4 of TNNI3 (allele frequency = n/a)